The following is an entry in ClinVar:

ClinVar aggregate classification (germline): Uncertain significance (1 of 4 stars; one submission).

Allele frequency attached by ClinVar (database versions not stated): ExAC 0.00003.
gnomAD v4.1: 2 of 1,127,035 alleles (0.00018%); highest among the groups gnomAD compares: South Asian, 0.002%; no homozygotes.

Submission:

Labcorp Genetics (formerly Invitae), Labcorp
Classification: Uncertain significance. Last evaluated: 2024-10-28. Review status: criteria provided, single submitter. Criteria: Invitae Variant Classification Sherloc (09022015). Collection method: clinical testing. Allele origin: germline.
Comment: This sequence change falls in intron 4 of the POLA1 gene. It does not directly change the encoded amino acid sequence of the POLA1 protein. It affects a nucleotide within the consensus splice site. This variant is present in population databases (rs755025434, gnomAD 0.008%). This variant has not been reported in the literature in individuals affected with POLA1-related conditions. ClinVar contains an entry for this variant (Variation ID: 2178731). Variants that disrupt the consensus splice site are a relatively common cause of aberrant splicing (PMID: 17576681, 9536098). Algorithms developed to predict the effect of sequence changes on RNA splicing suggest that this variant is not likely to affect RNA splicing. In summary, the available evidence is currently insufficient to determine the role of this variant in disease. Therefore, it has been classified as a Variant of Uncertain Significance.

Literature cited by the submitters: PubMed 17576681; PubMed 9536098.

NM_001330360.2(POLA1):c.347-3T>C

Gene: POLA1 (DNA polymerase alpha 1, catalytic subunit; plus strand). Cytogenetic location: Xp22.11.
Variant type: single nucleotide variant.
Coding change: c.347-3T>C on transcript NM_001330360.2 (MANE Select); 3 bases into the intron before coding-DNA position 347, T replaced by C.
Molecular consequence: intron variant.
Genome position (GRCh38, 1-based): chrX:24,714,551, T>C. VCF-style: chrX-24714551-T-C. GRCh37 (hg19) VCF-style: chrX-24732668-T-C.
Other names: c.347-3T>C (NM_001378303.1); c.329-3T>C (NM_016937.4).
Identifiers: ClinVar variation 2178731 (VCV002178731.4), dbSNP rs755025434, ClinGen allele CA10372763.